The following is an entry in ClinVar:

ClinVar aggregate classification (germline): Uncertain significance (1 of 4 stars; one submission).

Conditions:
Sandhoff disease. Also called: Beta-hexosaminidase-beta-subunit deficiency; GM2 gangliosidosis, type 2; Total hexosaminidase deficiency; Sandhoff-Jatzkewitz-Pilz disease; GM2-GANGLIOSIDOSIS, TYPE II; HEXOSAMINIDASES A AND B DEFICIENCY. Identifiers: Orphanet 796, MedGen C0036161, MONDO:0010006, OMIM 268800.

Submission:

Myriad Genetics, Inc.
Classification: Uncertain significance for Sandhoff disease. Last evaluated: 2026-06-19. Review status: criteria provided, single submitter. Criteria: Myriad Autosomal Dominant, Autosomal Recessive and X-Linked Classification Criteria (2023). Collection method: clinical testing. Allele origin: unknown.
Comment: NM_000521.3(HEXB):c.1669_*9del12(*557Gext*22) is a stop-loss variant classified as a variant of uncertain significance in the context of Sandhoff disease. *557Gext*22 has not been observed in cases with relevant disease. Relevant functional assessments of this variant are not available in the literature. *557Gext*22 has not been observed in referenced population frequency databases. In summary, there is insufficient evidence to classify NM_000521.3(HEXB):c.1669_*9del12(*557Gext*22) as pathogenic or benign. Please note: this variant was assessed in the context of healthy population screening.

NM_000521.4(HEXB):c.1669_*9del (p.Ter557del)

Gene: HEXB (hexosaminidase subunit beta; plus strand). Cytogenetic location: 5q13.3.
Variant type: Deletion.
Coding change: c.1669_*9del on transcript NM_000521.4 (MANE Select); coding-DNA position 1669 through 9 bases downstream of the stop codon, 12 bases deleted (TAAAAAATGGAG).
Protein change: p.Ter557del.
Molecular consequence: stop lost, inframe deletion.
Genome position (GRCh38, 1-based): chr5:74,721,173-74,721,184, TAAAAAATGGAG deleted; deleting any 12 consecutive bases within chr5:74,721,172-74,721,184 gives the same sequence; the c. name uses the placement nearest the transcript's 3' end. VCF-style (leftmost placement, unchanged base first): chr5-74721171-TGTAAAAAATGGA-T. GRCh37 (hg19) VCF-style: chr5-74016996-TGTAAAAAATGGA-T.
Other names: c.994_*9del, p.Ter332del (NM_001292004.2); short protein forms :332del, :557del.
Identifiers: ClinVar variation 5004110 (VCV005004110.1).